The following is an entry in ClinVar:

NM_001382567.1(STIM1):c.769A>G (p.Ser257Gly)

Gene: STIM1 (stromal interaction molecule 1; plus strand). Cytogenetic location: 11p15.4.
Variant type: single nucleotide variant.
Coding change: c.769A>G on transcript NM_001382567.1 (MANE Select); coding-DNA position 769, A replaced by G.
Protein change: p.Ser257Gly; replaces serine 257 with glycine.
Molecular consequence: missense variant. On other transcripts: non-coding transcript variant (2).
Genome position (GRCh38, 1-based): chr11:4,070,181, A>G. VCF-style: chr11-4070181-A-G. GRCh37 (hg19) VCF-style: chr11-4091411-A-G.
Other names: c.769A>G, p.Ser257Gly (NM_001277962.2, NM_001382568.1, NM_001277961.3 and 2 more transcripts); c.547A>G, p.Ser183Gly (NM_001382566.1, NM_001382573.1, NM_001382574.1 and 5 more transcripts); c.634A>G, p.Ser212Gly (NM_001382569.1); c.541A>G, p.Ser181Gly (NM_001382570.1); c.289A>G, p.Ser97Gly (NM_001382571.1); c.280A>G, p.Ser94Gly (NM_001382580.1, NM_001382581.1); short protein forms S181G, S183G, S212G, S257G, S94G, S97G.
Identifiers: ClinVar variation 3759131 (VCV003759131.2).

ClinVar aggregate classification (germline): Uncertain significance (1 of 4 stars; one submission).

Conditions:
Combined immunodeficiency due to STIM1 deficiency. Also called: STIM1 DEFICIENCY; IMMUNODEFICIENCY 10. Identifiers: Orphanet 169090, Orphanet 317430, MedGen C2748557, MONDO:0013008, OMIM 612783.
Stormorken syndrome (STRMK). Also called: THROMBOCYTOPATHY, ASPLENIA, AND MIOSIS. Identifiers: Orphanet 3204, MedGen C1861451, MONDO:0008497, OMIM 185070.
Myopathy with tubular aggregates (TAM). Also called: Tubular Aggregate Myopathy. Identifiers: Orphanet 2593, MedGen C0410207, MONDO:0008051.

Submission:

Labcorp Genetics (formerly Invitae), Labcorp
Classification: Uncertain significance for Myopathy with tubular aggregates; Combined immunodeficiency due to STIM1 deficiency; Stormorken syndrome. Last evaluated: 2024-11-25. Review status: criteria provided, single submitter. Criteria: Invitae Variant Classification Sherloc (09022015). Collection method: clinical testing. Allele origin: germline.
Comment: This sequence change replaces serine, which is neutral and polar, with glycine, which is neutral and non-polar, at codon 257 of the STIM1 protein (p.Ser257Gly). This variant is not present in population databases (gnomAD no frequency). This variant has not been reported in the literature in individuals affected with STIM1-related conditions. Invitae Evidence Modeling of protein sequence and biophysical properties (such as structural, functional, and spatial information, amino acid conservation, physicochemical variation, residue mobility, and thermodynamic stability) has been performed for this missense variant. However, the output from this modeling did not meet the statistical confidence thresholds required to predict the impact of this variant on STIM1 protein function. In summary, the available evidence is currently insufficient to determine the role of this variant in disease. Therefore, it has been classified as a Variant of Uncertain Significance.